The following is an entry in ClinVar:

NM_194248.3(OTOF):c.4559G>A (p.Arg1520Gln)

Gene: OTOF (otoferlin; minus strand). Cytogenetic location: 2p23.3.
Variant type: single nucleotide variant.
Coding change: c.4559G>A on transcript NM_194248.3 (MANE Select); coding-DNA position 4559, G replaced by A.
Protein change: p.Arg1520Gln; replaces arginine 1520 with glutamine.
Molecular consequence: missense variant.
Genome position (GRCh38, 1-based): chr2:26,466,018, C>T on the plus strand (G>A on the coding strand, the complement: OTOF is on the minus strand). VCF-style: chr2-26466018-C-T. GRCh37 (hg19) VCF-style: chr2-26688886-C-T.
Other names: c.4559G>A, p.Arg1520Gln (NM_001287489.2); c.2258G>A, p.Arg753Gln (NM_004802.4, NM_194323.3); c.2489G>A, p.Arg830Gln (NM_194322.3); short protein forms R1520Q, R830Q, R753Q.
Identifiers: ClinVar variation 21852 (VCV000021852.13), dbSNP rs80356601, ClinGen allele CA342573.

ClinVar aggregate classification (germline): Conflicting classifications of pathogenicity. Review status: criteria provided, conflicting classifications (1 of 4 stars). 5 submissions from 5 submitters: Uncertain significance (3); Likely benign (1). 1 of the submissions does not count toward it. Last evaluated 2026-01-14.

Conditions:
Autosomal recessive nonsyndromic hearing loss 9. Also called: OTOF-Related Hearing Loss; AUDITORY NEUROPATHY, AUTOSOMAL RECESSIVE, 1, TEMPERATURE-SENSITIVE; Deafness, autosomal recessive 9; NEUROSENSORY NONSYNDROMIC RECESSIVE DEAFNESS 9. Identifiers: Orphanet 90636, MedGen C1832828, MONDO:0010986, OMIM 601071.

Allele frequency attached by ClinVar (database versions not stated): gnomAD exomes 0.00006; ExAC 0.00007; TOPMed 0.00008; gnomAD 0.00009.
gnomAD v4.1: 59 of 1,614,098 alleles (0.0037%); highest among the groups gnomAD compares: Admixed American, 0.015%; no homozygotes.

Submissions (5):

Labcorp Genetics (formerly Invitae), Labcorp
Classification: Likely benign. Last evaluated: 2026-01-14. Review status: criteria provided, single submitter. Criteria: Invitae Variant Classification Sherloc (09022015). Collection method: clinical testing. Allele origin: germline.

Blueprint Genetics
Classification: Uncertain significance. Last evaluated: 2024-06-19. Review status: criteria provided, single submitter. Criteria: ACMG Guidelines, 2015. Collection method: clinical testing. Allele origin: germline.

Women's Health and Genetics/Laboratory Corporation of America, LabCorp
Classification: Uncertain significance. Last evaluated: 2022-08-23. Review status: criteria provided, single submitter. Criteria: LabCorp Variant Classification Summary - May 2015. Collection method: clinical testing. Allele origin: germline.
Comment: Variant summary: OTOF c.4559G>A (p.Arg1520Gln) results in a conservative amino acid change located in the C2 domain (IPR000008) of the encoded protein sequence. Four of five in-silico tools predict a benign effect of the variant on protein function. The variant allele was found at a frequency of 6e-05 in 251466 control chromosomes (gnomAD). This frequency is not significantly higher than expected for a pathogenic variant in OTOF causing Nonsyndromic Hearing Loss And Deafness, Type 9 (6e-05 vs 0.0011), allowing no conclusion about variant significance. c.4559G>A has been reported in the literature in at least one compound heterozygous individual affected with Nonsyndromic Hearing Loss And Deafness (e.g. Rouillon_2006). These data do not allow any conclusion about variant significance. To our knowledge, no experimental evidence demonstrating an impact on protein function has been reported. One clinical diagnostic laboratory has submitted a clinical-significance assessment for this variant to ClinVar after 2014 and classified the variant as uncertain significance. Based on the evidence outlined above, the variant was classified as uncertain significance.

Fulgent Genetics
Classification: Uncertain significance for Autosomal recessive nonsyndromic hearing loss 9. Last evaluated: 2022-03-30. Review status: criteria provided, single submitter. Criteria: ACMG Guidelines, 2015. Collection method: clinical testing. Allele origin: unknown.

GeneReviews
No classification provided. Condition: Autosomal recessive nonsyndromic hearing loss 9. Review status: no classification provided. Collection method: literature only. Allele origin: unknown. Not counted in ClinVar's aggregate classification.

Literature cited by the submitters: PubMed 16226319 (cited by Women's Health and Genetics/Laboratory Corporation of America, LabCorp and GeneReviews); PubMed 20301429 (cited by GeneReviews); NCBI Bookshelf NBK1251 (cited by GeneReviews).